The following is an entry in ClinVar:

ClinVar aggregate classification (germline): Likely pathogenic (1 of 4 stars; one submission).

Conditions:
Hereditary cancer-predisposing syndrome. Also called: Tumor predisposition; Hereditary Cancer Syndrome; Hereditary neoplastic syndrome; Neoplastic Syndromes, Hereditary. Identifiers: Orphanet 140162, MedGen C0027672, MeSH D009386, MONDO:0015356.

Submission:

Ambry Genetics
Classification: Likely pathogenic for Hereditary cancer-predisposing syndrome. Last evaluated: 2016-09-19. Review status: criteria provided, single submitter. Criteria: Ambry Variant Classification Scheme 2023. Collection method: clinical testing. Allele origin: germline.
Comment: The p.C82F variant (also known as c.245G>T), located in coding exon 3 of the BMPR1A gene, results from a G to T substitution at nucleotide position 245. The cysteine at codon 82 is replaced by phenylalanine, an amino acid with highly dissimilar properties. An alteration, p.C82Y, in the same codon has been reported in a patient who met clinical criteria for juvenile polyposis syndrome and functional studies in a human kidney cell line demonstrated the variant protein had reduced bone morphogenetic protein signaling and deficient subcellular localization when compared to wild type (Howe JR et al. J. Surg. Res., 2013 Oct;184:739-45; Calva-Cerqueira D et al. Clin. Genet., 2009 Jan;75:79-85). Based on internal structural analysis, this alteration is predicted to be structurally destabilizing due to the loss of a cysteine-cysteine bridge (Keller S et al. Nat. Struct. Mol. Biol., 2004 May;11:481-8). This variant was not reported in population based cohorts in the following databases: Database of Single Nucleotide Polymorphisms (dbSNP), NHLBI Exome Sequencing Project (ESP), and 1000 Genomes Project. In the ESP, this variant was not observed in 6503 samples (13006 alleles) with coverage at this position. To date, this alteration has been detected with an allele frequency of approximately 0.001% (greater than 85000 alleles tested) in our clinical cohort. This amino acid position is highly conserved in available vertebrate species. In addition, this alteration is predicted to be deleterious by in silico analysis. Based on the majority of available evidence to date, this variant is likely to be pathogenic.

Literature cited by the submitters: PubMed 15064755; PubMed 18823382; PubMed 23433720.

NM_004329.3(BMPR1A):c.245G>T (p.Cys82Phe)

Gene: BMPR1A (bone morphogenetic protein receptor type 1A; plus strand). Cytogenetic location: 10q23.2.
Variant type: single nucleotide variant.
Coding change: c.245G>T on transcript NM_004329.3 (MANE Select); coding-DNA position 245, G replaced by T.
Protein change: p.Cys82Phe; replaces cysteine 82 with phenylalanine.
Molecular consequence: missense variant.
Genome position (GRCh38, 1-based): chr10:86,892,141, G>T. VCF-style: chr10-86892141-G-T. GRCh37 (hg19) VCF-style: chr10-88651898-G-T.
Other names: short protein forms C82F.
Identifiers: ClinVar variation 486819 (VCV000486819.5), dbSNP rs1554888310, ClinGen allele CA377447951.
Genomic context (GRCh38, chr10:86,892,141, plus strand): 5'-CTATGTGAATTTATGTTTTGTTTTGTTTTGTTTTTTTCTGTTTTAGAACTAATGGACATT[G>T]CTTTGCCATCATAGAAGAAGATGACCAGGGAGAAACCACATTAGCTTCAGGGTGTATGAA-3'
Protein context (NP_004320.2, residues 72-92): INNTCITNGH[Cys82Phe]FAIIEEDDQG